The following is an entry in ClinVar:

ClinVar aggregate classification (germline): Uncertain significance. Review status: criteria provided, multiple submitters, no conflicts (2 of 4 stars). 3 submissions from 3 submitters: Uncertain significance (3). Last evaluated 2024-10-22.

Conditions:
Inborn genetic diseases. Identifiers: MedGen C0950123, MeSH D030342.

Allele frequency attached by ClinVar (database versions not stated): TOPMed below 0.00001; gnomAD exomes 0.00002.
gnomAD v4.1: 13 of 1,613,736 alleles (0.00081%); highest among the groups gnomAD compares: Non-Finnish European, 0.0011%; no homozygotes.

Submissions (3):

Labcorp Genetics (formerly Invitae), Labcorp
Classification: Uncertain significance. Last evaluated: 2024-10-22. Review status: criteria provided, single submitter. Criteria: Invitae Variant Classification Sherloc (09022015). Collection method: clinical testing. Allele origin: germline.
Comment: This sequence change replaces asparagine, which is neutral and polar, with serine, which is neutral and polar, at codon 910 of the SLC12A6 protein (p.Asn910Ser). This variant is present in population databases (no rsID available, gnomAD 0.003%). This variant has not been reported in the literature in individuals affected with SLC12A6-related conditions. ClinVar contains an entry for this variant (Variation ID: 2204718). Invitae Evidence Modeling of protein sequence and biophysical properties (such as structural, functional, and spatial information, amino acid conservation, physicochemical variation, residue mobility, and thermodynamic stability) indicates that this missense variant is not expected to disrupt SLC12A6 protein function with a negative predictive value of 95%. In summary, the available evidence is currently insufficient to determine the role of this variant in disease. Therefore, it has been classified as a Variant of Uncertain Significance.

Blueprint Genetics
Classification: Uncertain significance. Last evaluated: 2024-08-23. Review status: criteria provided, single submitter. Criteria: ACMG Guidelines, 2015. Collection method: clinical testing. Allele origin: germline.

Ambry Genetics
Classification: Uncertain significance for Inborn genetic diseases. Last evaluated: 2022-08-02. Review status: criteria provided, single submitter. Criteria: Ambry Variant Classification Scheme 2023. Collection method: clinical testing. Allele origin: germline.

NM_001365088.1(SLC12A6):c.2729A>G (p.Asn910Ser)

Gene: SLC12A6 (solute carrier family 12 member 6; minus strand). Cytogenetic location: 15q14.
Variant type: single nucleotide variant.
Coding change: c.2729A>G on transcript NM_001365088.1 (MANE Select); coding-DNA position 2729, A replaced by G.
Protein change: p.Asn910Ser; replaces asparagine 910 with serine.
Molecular consequence: missense variant.
Genome position (GRCh38, 1-based): chr15:34,238,305, T>C on the plus strand (A>G on the coding strand, the complement: SLC12A6 is on the minus strand). VCF-style: chr15-34238305-T-C. GRCh37 (hg19) VCF-style: chr15-34530506-T-C.
Other names: c.2552A>G, p.Asn851Ser (NM_001042494.2, NM_001042495.2); c.2702A>G, p.Asn901Ser (NM_001042496.2); c.2684A>G, p.Asn895Ser (NM_001042497.2); c.2576A>G, p.Asn859Ser (NM_005135.2); c.2729A>G, p.Asn910Ser (NM_133647.2); short protein forms N901S, N851S, N895S, N910S, N859S.
Identifiers: ClinVar variation 2204718 (VCV002204718.5), dbSNP rs912101259, ClinGen allele CA268660621.